The following is an entry in ClinVar:

NM_015151.4(DIP2A):c.842A>C (p.Lys281Thr)

Gene: DIP2A (disco interacting protein 2 homolog A; plus strand). Cytogenetic location: 21q22.3.
Variant type: single nucleotide variant.
Coding change: c.842A>C on transcript NM_015151.4 (MANE Select); coding-DNA position 842, A replaced by C.
Protein change: p.Lys281Thr; replaces lysine 281 with threonine.
Molecular consequence: missense variant.
Genome position (GRCh38, 1-based): chr21:46,509,314, A>C. VCF-style: chr21-46509314-A-C. GRCh37 (hg19) VCF-style: chr21-47929227-A-C.
Other names: c.713A>C, p.Lys238Thr (NM_001146115.2); c.842A>C, p.Lys281Thr (NM_001146116.2, NM_001353943.2, NM_001410751.1 and 3 more transcripts); c.845A>C, p.Lys282Thr (NM_001353942.2); c.593A>C, p.Lys198Thr (NM_001353944.2); short protein forms K198T, K238T, K281T, K282T.
Identifiers: ClinVar variation 3348463 (VCV003348463.1).
Genomic context (GRCh38, chr21:46,509,314, plus strand): 5'-CAGGTGTCCCTGTGAACAGCAGAGTGTCCTCCAAAATCCAGCAGCTTCTGAACACCCTGA[A>C]GAGGCCAAAGCGCCCTCCACTGAAGGAGTTCTTTGTGGATGATTTTGAGGAATTGTTGGA-3'
Protein context (NP_055966.2, residues 271-291): SKIQQLLNTL[Lys281Thr]RPKRPPLKEF

ClinVar aggregate classification (germline): Uncertain significance (0 of 4 stars; one submission).

Conditions:
DIP2A-related disorder. Also called: DIP2A-related condition.

Submission:

PreventionGenetics, part of Exact Sciences
Classification: Uncertain significance for DIP2A-related condition. Last evaluated: 2024-03-14. Review status: no assertion criteria provided. Collection method: clinical testing. Allele origin: germline.
Comment: The DIP2A c.842A>C variant is predicted to result in the amino acid substitution p.Lys281Thr. To our knowledge, this variant has not been reported in the literature or in a large population database, indicating this variant is rare. At this time, the clinical significance of this variant is uncertain due to the absence of conclusive functional and genetic evidence.